The following is an entry in ClinVar:

NM_000059.4(BRCA2):c.7337A>G (p.Lys2446Arg)

Gene: BRCA2 (BRCA2 DNA repair associated; plus strand). Cytogenetic location: 13q13.1.
Variant type: single nucleotide variant.
Coding change: c.7337A>G on transcript NM_000059.4 (MANE Select); coding-DNA position 7337, A replaced by G.
Protein change: p.Lys2446Arg; replaces lysine 2446 with arginine.
Molecular consequence: missense variant.
Genome position (GRCh38, 1-based): chr13:32,355,190, A>G. VCF-style: chr13-32355190-A-G. GRCh37 (hg19) VCF-style: chr13-32929327-A-G.
Other names: short protein forms K2446R.
Identifiers: ClinVar variation 924015 (VCV000924015.7), dbSNP rs2072682827, ClinGen allele CA387741251.
Genomic context (GRCh38, chr13:32,355,190, plus strand): 5'-TTAACTTGGAGGAAAACAGACAAAAGCAAAACATTGATGGACATGGCTCTGATGATAGTA[A>G]AAATAAGATTAATGACAATGAGATTCATCAGTTTAACAAAAACAACTCCAATCAAGCAGT-3'
Protein context (NP_000050.3, residues 2436-2456): NIDGHGSDDS[Lys2446Arg]NKINDNEIHQ

ClinVar aggregate classification (germline): Uncertain significance. Review status: criteria provided, multiple submitters, no conflicts (2 of 4 stars). 2 submissions from 2 submitters: Uncertain significance (2). Last evaluated 2022-02-13.

Conditions:
Hereditary breast ovarian cancer syndrome. Also called: BRCA1- and BRCA2-Associated Hereditary Breast and Ovarian Cancer; Hereditary breast and ovarian cancer syndrome; Hereditary breast and ovarian cancer; Hereditary breast and ovarian cancer syndrome (HBOC); Breast and ovarian cancer; Hereditary breast and/or ovarian cancer syndrome. Identifiers: Orphanet 145, MedGen C0677776, MeSH D061325, MONDO:0003582. Disease mechanism: loss of function.
Hereditary cancer-predisposing syndrome. Also called: Neoplastic Syndromes, Hereditary; Tumor predisposition; Hereditary Cancer Syndrome; Hereditary neoplastic syndrome. Identifiers: Orphanet 140162, MedGen C0027672, MeSH D009386, MONDO:0015356.

gnomAD v4.1: 1 of 1,613,866 alleles (0.000062%); highest among the groups gnomAD compares: East Asian, 0.0022%; no homozygotes.

Submissions (2):

Labcorp Genetics (formerly Invitae), Labcorp
Classification: Uncertain significance for Hereditary breast ovarian cancer syndrome. Last evaluated: 2022-02-13. Review status: criteria provided, single submitter. Criteria: Invitae Variant Classification Sherloc (09022015). Collection method: clinical testing. Allele origin: germline.
Comment: This sequence change replaces lysine, which is basic and polar, with arginine, which is basic and polar, at codon 2446 of the BRCA2 protein (p.Lys2446Arg). This variant is not present in population databases (gnomAD no frequency). This missense change has been observed in individual(s) with breast cancer (PMID: 30287823). ClinVar contains an entry for this variant (Variation ID: 924015). Advanced modeling of protein sequence and biophysical properties (such as structural, functional, and spatial information, amino acid conservation, physicochemical variation, residue mobility, and thermodynamic stability) performed at Invitae indicates that this missense variant is not expected to disrupt BRCA2 protein function. Algorithms developed to predict the effect of sequence changes on RNA splicing suggest that this variant may create or strengthen a splice site. In summary, the available evidence is currently insufficient to determine the role of this variant in disease. Therefore, it has been classified as a Variant of Uncertain Significance.

Color Diagnostics, LLC DBA Color Health
Classification: Uncertain significance for Hereditary cancer-predisposing syndrome. Last evaluated: 2019-04-22. Review status: criteria provided, single submitter. Criteria: ACMG Guidelines, 2015. Collection method: clinical testing. Allele origin: germline.

Literature cited by the submitters: PubMed 30287823 (cited by Labcorp Genetics (formerly Invitae), Labcorp).